The following is an entry in ClinVar:

NM_002693.3(POLG):c.119_142del (p.Arg40_Gln47del)

Genes: POLG (DNA polymerase gamma, catalytic subunit; minus strand), POLGARF (POLG alternative reading frame; minus strand). Cytogenetic location: 15q26.1.
Variant type: Deletion.
Coding change: c.119_142del on transcript NM_002693.3 (MANE Select); coding-DNA positions 119 to 142, 24 bases deleted (GGCGGCGGCAGCAGCAGCAGCAGC).
Protein change: p.Arg40_Gln47del.
Molecular consequence: inframe deletion. On other transcripts: inframe indel (1).
Genome position (GRCh38, 1-based): chr15:89,333,613-89,333,636, GCTGCTGCTGCTGCTGCCGCCGCC deleted on the plus strand (GGCGGCGGCAGCAGCAGCAGCAGC on the coding strand, the reverse complement: POLG is on the minus strand); deleting any 24 consecutive bases within chr15:89,333,613-89,333,641 gives the same sequence; the c. name uses the placement nearest the transcript's 3' end. VCF-style (leftmost placement, unchanged base first): chr15-89333612-TGCTGCTGCTGCTGCTGCCGCCGCC-T. GRCh37 (hg19) VCF-style: chr15-89876843-TGCTGCTGCTGCTGCTGCCGCCGCC-T.
Other names: p.Arg40_Gln47del; c.174_197del, p.Ala64_Ala71del (NM_001430120.1); c.119_142del, p.Arg40_Gln47del (NM_001126131.2); c.114_137del24, p.Arg40_Gln47del (NM_002693.2).
Identifiers: ClinVar variation 4541980 (VCV004541980.1).

ClinVar aggregate classification (germline): Uncertain significance. Review status: criteria provided, multiple submitters, no conflicts (2 of 4 stars). 2 submissions from 2 submitters: Uncertain significance (2). Last evaluated 2025-12-04.

Submissions (2):

Mayo Clinic Laboratories, Mayo Clinic
Classification: Uncertain significance. Last evaluated: 2025-12-04. Review status: criteria provided, single submitter. Criteria: ACMG Guidelines, 2015. Collection method: clinical testing. Allele origin: germline. Observed: 1 variant allele.
Comment: BP3, PM2_supporting

Athena Diagnostics
Classification: Uncertain significance. Last evaluated: 2025-03-14. Review status: criteria provided, single submitter. Criteria: Athena Diagnostics Criteria. Collection method: clinical testing. Allele origin: unknown.
Comment: Available data are insufficient to determine the clinical significance of the variant at this time. This variant has not been reported in large, multi-ethnic general populations. Computational tools yielded predictions that this variant is unlikely to have an effect on normal RNA splicing.